The following is an entry in ClinVar:

NM_016341.4(PLCE1):c.139A>C (p.Ser47Arg)

Gene: PLCE1 (phospholipase C epsilon 1; plus strand). Cytogenetic location: 10q23.33.
Variant type: single nucleotide variant.
Coding change: c.139A>C on transcript NM_016341.4 (MANE Select); coding-DNA position 139, A replaced by C.
Protein change: p.Ser47Arg; replaces serine 47 with arginine.
Molecular consequence: missense variant.
Genome position (GRCh38, 1-based): chr10:94,031,185, A>C. VCF-style: chr10-94031185-A-C. GRCh37 (hg19) VCF-style: chr10-95790942-A-C.
Other names: c.139A>C, p.Ser47Arg (NM_001288989.2); short protein forms S47R.
Identifiers: ClinVar variation 2168985 (VCV002168985.5), dbSNP rs752895021, ClinGen allele CA5612081.
Genomic context (GRCh38, chr10:94,031,185, plus strand): 5'-GATGAAAGTAGTGAAAAGGTCTCAGACATCAATATTTCAAAAGCACATACTGTCAGACGA[A>C]GTGGGGAGACTTCTCATACCATCTCACAACTGAACAAACTTAAAGAAGAACCTTCTGGAA-3'
Protein context (NP_057425.3, residues 37-57): NISKAHTVRR[Ser47Arg]GETSHTISQL

ClinVar aggregate classification (germline): Uncertain significance. Review status: criteria provided, multiple submitters, no conflicts (2 of 4 stars). 2 submissions from 2 submitters: Uncertain significance (2). Last evaluated 2025-01-06.

Conditions:
Nephrotic syndrome, type 3 (NPHS3). Also called: NEPHROTIC SYNDROME, EARLY-ONSET, TYPE 3. Identifiers: Orphanet 656, MedGen C1853124, MONDO:0012546, OMIM 610725.

Allele frequency attached by ClinVar (database versions not stated): gnomAD exomes 0.00001; ExAC 0.00004; gnomAD 0.00016; TOPMed 0.00024.
gnomAD v4.1: 44 of 1,613,754 alleles (0.0027%); highest among the groups gnomAD compares: African/African-American, 0.051%; no homozygotes.

Submissions (2):

Labcorp Genetics (formerly Invitae), Labcorp
Classification: Uncertain significance. Last evaluated: 2025-01-06. Review status: criteria provided, single submitter. Criteria: Invitae Variant Classification Sherloc (09022015). Collection method: clinical testing. Allele origin: germline.
Comment: This sequence change replaces serine, which is neutral and polar, with arginine, which is basic and polar, at codon 47 of the PLCE1 protein (p.Ser47Arg). This variant is present in population databases (rs752895021, gnomAD 0.05%). This variant has not been reported in the literature in individuals affected with PLCE1-related conditions. ClinVar contains an entry for this variant (Variation ID: 2168985). An algorithm developed to predict the effect of missense changes on protein structure and function (PolyPhen-2) suggests that this variant is likely to be tolerated. In summary, the available evidence is currently insufficient to determine the role of this variant in disease. Therefore, it has been classified as a Variant of Uncertain Significance.

Fulgent Genetics
Classification: Uncertain significance for Nephrotic syndrome, type 3. Last evaluated: 2024-03-19. Review status: criteria provided, single submitter. Criteria: ACMG Guidelines, 2015. Collection method: clinical testing. Allele origin: germline.